The following is an entry in ClinVar:

NM_001197104.2(KMT2A):c.7874G>T (p.Arg2625Leu)

Gene: KMT2A (lysine methyltransferase 2A; plus strand). Cytogenetic location: 11q23.3.
Variant type: single nucleotide variant.
Coding change: c.7874G>T on transcript NM_001197104.2 (MANE Select); coding-DNA position 7874, G replaced by T.
Protein change: p.Arg2625Leu; replaces arginine 2625 with leucine.
Molecular consequence: missense variant.
Genome position (GRCh38, 1-based): chr11:118,503,766, G>T. VCF-style: chr11-118503766-G-T. GRCh37 (hg19) VCF-style: chr11-118374481-G-T.
Other names: c.7865G>T, p.Arg2622Leu (NM_005933.4); short protein forms R2622L, R2625L.
Identifiers: ClinVar variation 1694648 (VCV001694648.31), dbSNP rs1555046870, ClinGen allele CA382807602.
Genomic context (GRCh38, chr11:118,503,766, plus strand): 5'-ATGGCCCCAAACCTCAGGAGGATGGCTCTTTTAAAAGGAGGTATCCCCGTCGCAGTGCCC[G>T]TGCACGTTCTAACATGTTTTTTGGGCTTACCCCACTCTATGGAGTAAGATCCTATGGTGA-3'
Protein context (NP_001184033.1, residues 2615-2635): FKRRYPRRSA[Arg2625Leu]ARSNMFFGLT

ClinVar aggregate classification (germline): Likely pathogenic (1 of 4 stars; one submission).

Submission:

CeGaT Center for Human Genetics Tuebingen
Classification: Likely pathogenic. Last evaluated: 2022-06-01. Review status: criteria provided, single submitter. Criteria: CeGaT Center For Human Genetics Tuebingen Variant Classification Criteria Version 2. Collection method: clinical testing. Allele origin: germline. Affected: yes. Observed: 1 variant allele.
Comment: KMT2A: PM2, PS2:Moderate, PP2, PP3